The following is an entry in ClinVar:

NM_001375524.1(TRRAP):c.10915C>T (p.Arg3639Trp)

Gene: TRRAP (transformation/transcription domain associated protein; plus strand). Cytogenetic location: 7q22.1.
Variant type: single nucleotide variant.
Coding change: c.10915C>T on transcript NM_001375524.1 (MANE Select); coding-DNA position 10915, C replaced by T.
Protein change: p.Arg3639Trp; replaces arginine 3639 with tryptophan.
Molecular consequence: missense variant.
Genome position (GRCh38, 1-based): chr7:99,008,538, C>T. VCF-style: chr7-99008538-C-T. GRCh37 (hg19) VCF-style: chr7-98606161-C-T.
Other names: c.10873C>T, p.Arg3625Trp (NM_001244580.2); c.10786C>T, p.Arg3596Trp (NM_003496.4); c.10786C>T (NM_003496.3); short protein forms R3596W, R3625W, R3639W.
Identifiers: ClinVar variation 1805975 (VCV001805975.2), dbSNP rs2485072240, ClinGen allele CA368340496.
Genomic context (GRCh38, chr7:99,008,538, plus strand): 5'-GGCATCGAGCATGACAACCCCATCTCCCGTTACTATGACCGGCTGGCTACGGTGCAGGCG[C>T]GGGGAACCCAAGCCAGCCACCAGGTAGCAGTGGGGCCGGGCCGGGGGCCGAGCTGCCGCC-3'
Protein context (NP_001362453.1, residues 3629-3649): YYDRLATVQA[Arg3639Trp]GTQASHQVLR

ClinVar aggregate classification (germline): Uncertain significance. Review status: criteria provided, multiple submitters, no conflicts (2 of 4 stars). 2 submissions from 2 submitters: Uncertain significance (2). Last evaluated 2026-04-14.

Conditions:
Developmental delay with or without dysmorphic facies and autism. Identifiers: MedGen C5193106, MONDO:0032760, OMIM 618454.

Allele frequency attached by ClinVar (database versions not stated): gnomAD exomes below 0.00001.

Submissions (2):

GeneDx
Classification: Uncertain significance. Last evaluated: 2026-04-14. Review status: criteria provided, single submitter. Criteria: GeneDx Variant Classification Process June 2021. Collection method: clinical testing. Allele origin: germline.
Comment: In silico analysis supports that this missense variant has a deleterious effect on protein structure/function; Not observed at significant frequency in large population cohorts (gnomAD); Has not been previously published as pathogenic or benign to our knowledge

Victorian Clinical Genetics Services, Murdoch Childrens Research Institute
Classification: Uncertain significance for Developmental delay with or without dysmorphic facies and autism. Last evaluated: 2022-09-02. Review status: criteria provided, single submitter. Criteria: ACMG Guidelines, 2015. Collection method: clinical testing. Allele origin: germline. Inheritance: Autosomal dominant inheritance. Affected: yes.
Comment: Based on the classification scheme VCGS_Germline_v1.3.4, this variant is classified as VUS-3B. Following criteria are met: 0102 - Loss of function is a likely mechanism of disease in this gene and is associated with developmental delay with or without dysmorphic facies and autism (MIM#618454). (I) 0107 - This gene is associated with autosomal dominant disease. (I) 0200 - Variant is predicted to result in a missense amino acid change from arginine to tryptophan. (I) 0251 - This variant is heterozygous. (I) 0301 - Variant is absent from gnomAD (both v2 and v3). (SP) 0309 - An alternative amino acid change at the same position has been observed in gnomAD (v2) (1 heterozygote, 0 homozygotes). (I) 0501 - Missense variant consistently predicted to be damaging by multiple in silico tools or highly conserved with a major amino acid change. (SP) 0600 - Variant is located in the annotated phosphatidylinositol 3- and 4-kinase domain (DECIPHER). (I) 0705 - No comparable missense variants have previous evidence for pathogenicity. (I) 0807 - This variant has no previous evidence of pathogenicity. (I) 0905 - No published segregation evidence has been identified for this variant. (I) 1007 - No published functional evidence has been identified for this variant. (I) 1208 - Inheritance information for this variant is not currently available in this individual. (I) Legend: (SP) - Supporting pathogenic, (I) - Information, (SB) - Supporting benign